The following is an entry in ClinVar:

NM_194248.3(OTOF):c.245G>A (p.Arg82His)

Gene: OTOF (otoferlin; minus strand). Cytogenetic location: 2p23.3.
Variant type: single nucleotide variant.
Coding change: c.245G>A on transcript NM_194248.3 (MANE Select); coding-DNA position 245, G replaced by A.
Protein change: p.Arg82His; replaces arginine 82 with histidine.
Molecular consequence: missense variant.
Genome position (GRCh38, 1-based): chr2:26,519,092, C>T on the plus strand (G>A on the coding strand, the complement: OTOF is on the minus strand). VCF-style: chr2-26519092-C-T. GRCh37 (hg19) VCF-style: chr2-26741960-C-T.
Other names: c.245G>A, p.Arg82His (NM_001287489.2); short protein forms R82H.
Identifiers: ClinVar variation 48199 (VCV000048199.55), dbSNP rs149766574, ClinGen allele CA142807.

ClinVar aggregate classification (germline): Conflicting classifications of pathogenicity. Review status: criteria provided, conflicting classifications (1 of 4 stars). 10 submissions from 10 submitters: Uncertain significance (5); Benign (1); Likely benign (3). 1 of the submissions does not count toward it. Last evaluated 2026-01-20.

Conditions:
Childhood onset hearing loss.
OTOF-related disorder. Also called: OTOF-related condition.
Autosomal recessive nonsyndromic hearing loss 9. Also called: NEUROSENSORY NONSYNDROMIC RECESSIVE DEAFNESS 9; Deafness, autosomal recessive 9; OTOF-Related Hearing Loss; AUDITORY NEUROPATHY, AUTOSOMAL RECESSIVE, 1, TEMPERATURE-SENSITIVE. Identifiers: Orphanet 90636, MedGen C1832828, MONDO:0010986, OMIM 601071.

Allele frequency attached by ClinVar (database versions not stated): gnomAD exomes 0.00050; ExAC 0.00066; ESP Exome Variant Server 0.00231; gnomAD 0.00237 and 0.00216; TOPMed 0.00250; 1000 Genomes Project 30x 0.00187; 1000 Genomes Project 0.00220.

Submissions (10):

Labcorp Genetics (formerly Invitae), Labcorp
Classification: Likely benign. Last evaluated: 2026-01-20. Review status: criteria provided, single submitter. Criteria: Invitae Variant Classification Sherloc (09022015). Collection method: clinical testing. Allele origin: germline.

Blueprint Genetics
Classification: Uncertain significance. Last evaluated: 2024-04-22. Review status: criteria provided, single submitter. Criteria: ACMG Guidelines, 2015. Collection method: clinical testing. Allele origin: germline.

CeGaT Center for Human Genetics Tuebingen
Classification: Likely benign. Last evaluated: 2022-09-01. Review status: criteria provided, single submitter. Criteria: CeGaT Center For Human Genetics Tuebingen Variant Classification Criteria Version 2. Collection method: clinical testing. Allele origin: germline. Affected: yes. Observed: 1 variant allele.
Comment: OTOF: BP4, BS2

National Institute on Deafness and Communication Disorders, National Institutes of Health
Classification: Uncertain significance for Childhood onset hearing loss. Last evaluated: 2021-07-08. Review status: criteria provided, single submitter. Criteria: ClinGen HL ACMG Specifications v1. Collection method: research. Allele origin: germline. Inheritance: Autosomal recessive inheritance. Affected: yes. Observed: 1 heterozygote. Segregation with disease not observed.
Comment: PP3 (non REVEL) / Modifications from PMID: 30311386 for classification: The genetic causes of hearing loss have not yet been well characterized in the Yoruba population, and the information regarding variant MAF in this population is still limited, so we did not exclude any variant based on their "high" MAF. PP3 criteria was applied even if the REVEL score was below 0.7, if at least two of the pathogenicity prediction algorithms used predicted that the variant was damaging or likely damaging.

was found associated with NM_194248.3:c.3917A>C

Genomic Research Center, Shahid Beheshti University of Medical Sciences
Classification: Uncertain significance for Deafness, autosomal recessive 9. Last evaluated: 2019-01-01. Review status: criteria provided, single submitter. Criteria: ACMG Guidelines, 2015. Collection method: clinical testing. Allele origin: unknown. Affected: no. Observed: 1 variant allele.

Eurofins Ntd Llc (ga)
Classification: Likely benign. Last evaluated: 2018-04-30. Review status: criteria provided, single submitter. Criteria: EGL ClinVar v180209 classification definitions. Collection method: clinical testing. Allele origin: germline. Observed: 1 variant allele, 1 heterozygote.

Illumina Laboratory Services, Illumina
Classification: Uncertain significance for Autosomal recessive nonsyndromic hearing loss 9. Last evaluated: 2018-01-12. Review status: criteria provided, single submitter. Criteria: ICSL Variant Classification Criteria 13 December 2019. Collection method: clinical testing. Allele origin: germline.

GeneDx
Classification: Uncertain significance. Last evaluated: 2017-08-24. Review status: criteria provided, single submitter. Criteria: GeneDx Variant Classification (06012015). Collection method: clinical testing. Allele origin: germline. Affected: yes.
Comment: The R82H variant in the OTOF gene has not been reported previously as a pathogenic variant, nor as a benign variant, to our knowledge. It is reported as benign in ClinVar by a different clinical laboratory, but additional evidence is not available (ClinVar SCV000065194.4; Landrum et al., 2015). The R82H variant is observed in 50/7412 (0.68%) alleles from individuals of African background in the ExAC dataset, and no individuals were reported to be homozygous (Lek et al., 2016). The R82H variant is a conservative amino acid substitution, which is not likely to impact secondary protein structure as these residues share similar properties. This substitution occurs at a position that is not conserved across species. In silico analysis is inconsistent in its predictions as to whether or not the variant is damaging to the protein structure/function. We interpret R82H as a variant of uncertain significance.

Laboratory for Molecular Medicine, Mass General Brigham Personalized Medicine
Classification: Benign. Last evaluated: 2012-05-16. Review status: criteria provided, single submitter. Criteria: LMM Criteria. Collection method: clinical testing. Allele origin: germline. Observed: 2 variant alleles.
Comment: Arg82His in Exon 04 of OTOF: This variant is not expected to have clinical signi ficance because it has been identified in 0.6% (24/3738) of African American chr omosomes from a broad population by the NHLBI Exome Sequencing Project (dbSNP rs149766574).

PreventionGenetics, part of Exact Sciences
Classification: Likely benign for OTOF-related condition. Last evaluated: 2019-12-24. Review status: no assertion criteria provided. Collection method: clinical testing. Allele origin: germline. Not counted in ClinVar's aggregate classification.
Comment: This variant is classified as likely benign based on ACMG/AMP sequence variant interpretation guidelines (Richards et al. 2015 PMID: 25741868, with internal and published modifications).